The following is an entry in ClinVar:

NM_015215.4(CAMTA1):c.1499G>C (p.Gly500Ala)

Gene: CAMTA1 (calmodulin binding transcription activator 1; plus strand). Cytogenetic location: 1p36.23.
Variant type: single nucleotide variant.
Coding change: c.1499G>C on transcript NM_015215.4 (MANE Select); coding-DNA position 1499, G replaced by C.
Protein change: p.Gly500Ala; replaces glycine 500 with alanine.
Molecular consequence: missense variant.
Genome position (GRCh38, 1-based): chr1:7,664,046, G>C. VCF-style: chr1-7664046-G-C. GRCh37 (hg19) VCF-style: chr1-7724106-G-C.
Other names: c.1409G>C, p.Gly470Ala (NM_001349608.2, NM_001349612.2); c.1499G>C, p.Gly500Ala (NM_001349609.2, NM_001349610.2); short protein forms G500A, G470A.
Identifiers: ClinVar variation 522092 (VCV000522092.11), dbSNP rs944873688, ClinGen allele CA17244494.

ClinVar aggregate classification (germline): Uncertain significance. Review status: criteria provided, multiple submitters, no conflicts (2 of 4 stars). 2 submissions from 2 submitters: Uncertain significance (2). Last evaluated 2023-06-29.

Conditions:
Inborn genetic diseases. Identifiers: MedGen C0950123, MeSH D030342.

Allele frequency attached by ClinVar (database versions not stated): gnomAD 0.00002 and 0.00003; TOPMed 0.00003.
gnomAD v4.1: 29 of 1,613,734 alleles (0.0018%); highest among the groups gnomAD compares: Non-Finnish European, 0.0025%; no homozygotes.

Submissions (2):

Labcorp Genetics (formerly Invitae), Labcorp
Classification: Uncertain significance. Last evaluated: 2023-06-29. Review status: criteria provided, single submitter. Criteria: Invitae Variant Classification Sherloc (09022015). Collection method: clinical testing. Allele origin: germline.
Comment: In summary, the available evidence is currently insufficient to determine the role of this variant in disease. Therefore, it has been classified as a Variant of Uncertain Significance. An algorithm developed to predict the effect of missense changes on protein structure and function (PolyPhen-2) suggests that this variant is likely to be disruptive. ClinVar contains an entry for this variant (Variation ID: 522092). This variant has not been reported in the literature in individuals affected with CAMTA1-related conditions. This variant is present in population databases (no rsID available, gnomAD 0.002%). This sequence change replaces glycine, which is neutral and non-polar, with alanine, which is neutral and non-polar, at codon 500 of the CAMTA1 protein (p.Gly500Ala).

Ambry Genetics
Classification: Uncertain significance for Inborn genetic diseases. Last evaluated: 2020-03-31. Review status: criteria provided, single submitter. Criteria: Ambry Variant Classification Scheme 2023. Collection method: clinical testing. Allele origin: germline.
Comment: The alteration results in an amino acid change:_x000D_ _x000D_ The c.1499G>C (p.G500A) alteration is located in coding exon 9 of the CAMTA1 gene. This alteration results from a G to C substitution at nucleotide position 1499, causing the glycine (G) at amino acid position 500 to be replaced by an alanine (A). The alteration is rare in population databases: _x000D_ _x000D_ Based on data from the Genome Aggregation Database (gnomAD), the CAMTA1 c.1499G>C alteration was observed in 0.0007% (2/282598) of total alleles studied, with a frequency of 0.0016% (2/129034) in the European (non-Finnish) subpopulation. The altered amino acid is conserved throughout evolution:_x000D_ _x000D_ The p.G500 amino acid is conserved in available vertebrate species. The alteration is predicted tolerated by in silico modeling:_x000D_ _x000D_ The p.G500A alteration is predicted to be tolerated by in silico analysis. Based on insufficient or conflicting evidence, the clinical significance of this alteration remains unclear.